The following is an entry in ClinVar:

NM_004068.4(AP2M1):c.353T>A (p.Phe118Tyr)

Gene: AP2M1 (adaptor related protein complex 2 subunit mu 1; plus strand). Cytogenetic location: 3q27.1.
Variant type: single nucleotide variant.
Coding change: c.353T>A on transcript NM_004068.4 (MANE Select); coding-DNA position 353, T replaced by A.
Protein change: p.Phe118Tyr; replaces phenylalanine 118 with tyrosine.
Molecular consequence: missense variant.
Genome position (GRCh38, 1-based): chr3:184,180,181, T>A. VCF-style: chr3-184180181-T-A. GRCh37 (hg19) VCF-style: chr3-183897969-T-A.
Other names: c.353T>A, p.Phe118Tyr (NM_001025205.2); c.428T>A, p.Phe143Tyr (NM_001311198.2); short protein forms F143Y, F118Y.
Identifiers: ClinVar variation 1428329 (VCV001428329.7), dbSNP rs2109030512, ClinGen allele CA355422727.

ClinVar aggregate classification (germline): Uncertain significance. Review status: criteria provided, multiple submitters, no conflicts (2 of 4 stars). 2 submissions from 2 submitters: Uncertain significance (2). Last evaluated 2026-06-26.

Submissions (2):

Women's Health and Genetics/Laboratory Corporation of America, LabCorp
Classification: Uncertain significance. Last evaluated: 2026-06-26. Review status: criteria provided, single submitter. Criteria: LabCorp Variant Classification Summary - May 2015. Collection method: clinical testing. Allele origin: germline.
Comment: Variant summary: AP2M1 c.353T>A (p.Phe118Tyr) results in a conservative amino acid change in the encoded protein sequence. Algorithms developed to predict the effect of missense changes on protein structure and function are either unavailable or do not agree on the potential impact of this missense change. The variant was absent in 249524 control chromosomes. The available data on variant occurrences in the general population are insufficient to allow any conclusion about variant significance. To our knowledge, no occurrence of c.353T>A in individuals affected with AP2M1-related conditions and no experimental evidence demonstrating its impact on protein function have been reported. ClinVar contains an entry for this variant (Variation ID: 1428329). Based on the evidence outlined above, the variant was classified as uncertain significance.

Labcorp Genetics (formerly Invitae), Labcorp
Classification: Uncertain significance. Last evaluated: 2024-09-19. Review status: criteria provided, single submitter. Criteria: Invitae Variant Classification Sherloc (09022015). Collection method: clinical testing. Allele origin: germline.
Comment: This sequence change replaces phenylalanine, which is neutral and non-polar, with tyrosine, which is neutral and polar, at codon 118 of the AP2M1 protein (p.Phe118Tyr). This variant is not present in population databases (gnomAD no frequency). This variant has not been reported in the literature in individuals affected with AP2M1-related conditions. ClinVar contains an entry for this variant (Variation ID: 1428329). An algorithm developed to predict the effect of missense changes on protein structure and function (PolyPhen-2) suggests that this variant is likely to be tolerated. In summary, the available evidence is currently insufficient to determine the role of this variant in disease. Therefore, it has been classified as a Variant of Uncertain Significance.